The following is an entry in ClinVar:

ClinVar aggregate classification (germline): Uncertain significance (0 of 4 stars; one submission).

Conditions:
SFTPD-related disorder. Also called: SFTPD-related condition.

Allele frequency attached by ClinVar (database versions not stated): TOPMed 0.00006; gnomAD exomes 0.00012; ExAC 0.00023.
gnomAD v4.1: 191 of 1,614,012 alleles (0.012%); highest among the groups gnomAD compares: South Asian, 0.13%; 1 homozygote.

Submission:

PreventionGenetics, part of Exact Sciences
Classification: Uncertain significance for SFTPD-related condition. Last evaluated: 2023-12-24. Review status: no assertion criteria provided. Collection method: clinical testing. Allele origin: germline.
Comment: The SFTPD c.484G>A variant is predicted to result in the amino acid substitution p.Ala162Thr. To our knowledge, this variant has not been reported in the literature. This variant is reported in 0.14% of alleles in individuals of South Asian descent in gnomAD. Although we suspect that this variant may be benign, at this time, the clinical significance of this variant is uncertain due to the absence of conclusive functional and genetic evidence.

NM_003019.5(SFTPD):c.484G>A (p.Ala162Thr)

Gene: SFTPD (surfactant protein D; minus strand). Cytogenetic location: 10q22.3.
Variant type: single nucleotide variant.
Coding change: c.484G>A on transcript NM_003019.5 (MANE Select); coding-DNA position 484, G replaced by A.
Protein change: p.Ala162Thr; replaces alanine 162 with threonine.
Molecular consequence: missense variant.
Genome position (GRCh38, 1-based): chr10:79,942,020, C>T on the plus strand (G>A on the coding strand, the complement: SFTPD is on the minus strand). VCF-style: chr10-79942020-C-T. GRCh37 (hg19) VCF-style: chr10-81701776-C-T.
Other names: short protein forms A162T.
Identifiers: ClinVar variation 3053715 (VCV003053715.2), dbSNP rs766504455, ClinGen allele CA5575153.